The following is an entry in ClinVar:

NM_004522.3(KIF5C):c.265TCA[1] (p.Ser90del)

Gene: KIF5C (kinesin family member 5C; plus strand). Cytogenetic location: 2q23.1.
Variant type: Microsatellite.
Coding change: c.265TCA[1] on transcript NM_004522.3 (MANE Select); one copy of the 3-base unit TCA starting at c.265; the reference has two copies in a row; one copy, 3 bases deleted; also written c.268_270del.
Protein change: p.Ser90del; deletes serine 90.
Molecular consequence: inframe deletion.
Genome position (GRCh38, 1-based): chr2:148,929,331-148,929,333, TCA deleted; deleting any 3 consecutive bases within chr2:148,929,328-148,929,333 gives the same sequence; the position shown is the placement nearest the transcript's 3' end. VCF-style (leftmost placement, unchanged base first): chr2-148929327-TTCA-T. GRCh37 (hg19) VCF-style: chr2-149686896-TTCA-T.
Other names: c.268_270del (NM_004522.3); short protein forms S90del.
Identifiers: ClinVar variation 504269 (VCV000504269.3), dbSNP rs1553463778, ClinGen allele CA658795860.
Genomic context (GRCh38, chr2:148,929,327, plus strand): 5'-TTTCTTGTTCACAGATGTCCTTGAAGGTTATAACGGGACGATTTTTGCGTATGGGCAGAC[TTCA>T]TCAGGAAAAACCCACACCATGGAGGTAAGATTACAATGTGCTCTAATGCGAATCTCTGAG-3'

ClinVar aggregate classification (germline): Pathogenic/Likely pathogenic. Review status: criteria provided, multiple submitters, no conflicts (2 of 4 stars). 2 submissions from 2 submitters: Pathogenic (1); Likely pathogenic (1). Last evaluated 2024-12-12.

Conditions:
Complex cortical dysplasia with other brain malformations 2. Identifiers: MedGen C3809013, MONDO:0014116, OMIM 615282.

Submissions (2):

Institute of Human Genetics, University of Leipzig Medical Center
Classification: Likely pathogenic for Complex cortical dysplasia with other brain malformations 2. Last evaluated: 2024-12-12. Review status: criteria provided, single submitter. Criteria: ACMG Guidelines, 2015. Collection method: literature only. Allele origin: de novo. Affected: yes.
Comment: PS2_moderate, PM1, PM2, PP2, PP3

GeneDx
Classification: Pathogenic. Last evaluated: 2018-02-09. Review status: criteria provided, single submitter. Criteria: GeneDx Variant Classification (06012015). Collection method: clinical testing. Allele origin: germline. Affected: yes.
Comment: The c.268_270delTCA pathogenic variant in the KIF5C gene has not been reported previously as a pathogenic variant, nor as a benign variant, to our knowledge. The c.268_270delTCA variant causes an in-frame deletion of one amino acid, Serine 90, denoted p.Ser90del. In-silico analyses, including protein predictors and evolutionary conservation, support a deleterious effect. The c.268_270delTCA variant is not observed in large population cohorts (Lek et al., 2016). We interpret c.268_270delTCA as a likely pathogenic variant.

Literature cited by the submitters: PubMed 38525108 (cited by Institute of Human Genetics, University of Leipzig Medical Center).